The following is an entry in ClinVar:

NM_001085049.3(MRAS):c.479C>T (p.Pro160Leu)

Gene: MRAS (muscle RAS oncogene homolog; plus strand). Cytogenetic location: 3q22.3.
Variant type: single nucleotide variant.
Coding change: c.479C>T on transcript NM_001085049.3 (MANE Select); coding-DNA position 479, C replaced by T.
Protein change: p.Pro160Leu; replaces proline 160 with leucine.
Molecular consequence: missense variant.
Genome position (GRCh38, 1-based): chr3:138,400,565, C>T. VCF-style: chr3-138400565-C-T. GRCh37 (hg19) VCF-style: chr3-138119407-C-T.
Other names: c.479C>T, p.Pro160Leu (NM_001252090.2, NM_012219.4); c.251C>T, p.Pro84Leu (NM_001252091.1, NM_001252092.2, NM_001252093.2); short protein forms P160L, P84L.
Identifiers: ClinVar variation 4538835 (VCV004538835.1).

ClinVar aggregate classification (germline): Uncertain significance (1 of 4 stars; one submission).

Submission:

GeneDx
Classification: Uncertain significance. Last evaluated: 2025-06-19. Review status: criteria provided, single submitter. Criteria: GeneDx Variant Classification Process June 2021. Collection method: clinical testing. Allele origin: germline. Affected: yes.
Comment: Not observed at significant frequency in large population cohorts (gnomAD); In silico analysis supports that this missense variant has a deleterious effect on protein structure/function; Has not been previously published as pathogenic or benign to our knowledge